The following is an entry in ClinVar:

ClinVar aggregate classification (germline): Uncertain significance (1 of 4 stars; one submission).

Conditions:
RASopathy. Also called: rasopathies; Noonan spectrum disorder. Identifiers: Orphanet 536391, MedGen C5555857, MONDO:0021060.

gnomAD v4.1: 7 of 1,613,390 alleles (0.00043%); highest among the groups gnomAD compares: East Asian, 0.0022%; no homozygotes.

Submission:

Labcorp Genetics (formerly Invitae), Labcorp
Classification: Uncertain significance for RASopathy. Last evaluated: 2023-07-10. Review status: criteria provided, single submitter. Criteria: Invitae Variant Classification Sherloc (09022015). Collection method: clinical testing. Allele origin: germline.
Comment: In summary, the available evidence is currently insufficient to determine the role of this variant in disease. Therefore, it has been classified as a Variant of Uncertain Significance. Advanced modeling of protein sequence and biophysical properties (such as structural, functional, and spatial information, amino acid conservation, physicochemical variation, residue mobility, and thermodynamic stability) has been performed at Invitae for this missense variant, however the output from this modeling did not meet the statistical confidence thresholds required to predict the impact of this variant on SOS1 protein function. ClinVar contains an entry for this variant (Variation ID: 2190991). This variant has not been reported in the literature in individuals affected with SOS1-related conditions. This variant is present in population databases (no rsID available, gnomAD 0.006%). This sequence change replaces valine, which is neutral and non-polar, with alanine, which is neutral and non-polar, at codon 761 of the SOS1 protein (p.Val761Ala).

NM_005633.4(SOS1):c.2282T>C (p.Val761Ala)

Gene: SOS1 (SOS Ras/Rac guanine nucleotide exchange factor 1; minus strand). Cytogenetic location: 2p22.1.
Variant type: single nucleotide variant.
Coding change: c.2282T>C on transcript NM_005633.4 (MANE Select); coding-DNA position 2282, T replaced by C.
Protein change: p.Val761Ala; replaces valine 761 with alanine.
Molecular consequence: missense variant.
Genome position (GRCh38, 1-based): chr2:39,012,234, A>G on the plus strand (T>C on the coding strand, the complement: SOS1 is on the minus strand). VCF-style: chr2-39012234-A-G. GRCh37 (hg19) VCF-style: chr2-39239375-A-G.
Other names: c.2261T>C, p.Val754Ala (NM_001382394.1); c.2282T>C, p.Val761Ala (NM_001382395.1); short protein forms V761A, V754A.
Identifiers: ClinVar variation 2190991 (VCV002190991.4), dbSNP rs770225695, ClinGen allele CA346364226.
Genomic context (GRCh38, chr2:39,012,234, plus strand): 5'-GGGTGTAAGGTGAGCAGGTCAAAAGTCTCTATGTGCCCAGGTCTGCTTATATGCCACTCA[A>G]CTGTGGGAGGTGAACTCTGAAATGTAATATTATGACCTGGTCCATTGTCTCTTGCAATTT-3'
Protein context (NP_005624.2, residues 751-771): NITFQSSPPT[Val761Ala]EWHISRPGHI